The following is an entry in ClinVar:

ClinVar aggregate classification (germline): Uncertain significance. Review status: criteria provided, multiple submitters, no conflicts (2 of 4 stars). 2 submissions from 2 submitters: Uncertain significance (2). Last evaluated 2024-05-23.

Conditions:
Hereditary cancer-predisposing syndrome. Also called: Tumor predisposition; Hereditary Cancer Syndrome; Hereditary neoplastic syndrome; Neoplastic Syndromes, Hereditary. Identifiers: Orphanet 140162, MedGen C0027672, MeSH D009386, MONDO:0015356.
Familial cancer of breast. Also called: BREAST CANCER, FAMILIAL; Hereditary breast cancer; hereditary breast carcinoma. Identifiers: Orphanet 227535, MedGen C0346153, MONDO:0016419, OMIM 114480. Disease mechanism: loss of function.

Submissions (2):

Ambry Genetics
Classification: Uncertain significance for Hereditary cancer-predisposing syndrome. Last evaluated: 2024-05-23. Review status: criteria provided, single submitter. Criteria: Ambry Variant Classification Scheme 2023. Collection method: clinical testing. Allele origin: germline.
Comment: The p.I1051T variant (also known as c.3152T>C), located in coding exon 11 of the PALB2 gene, results from a T to C substitution at nucleotide position 3152. The isoleucine at codon 1051 is replaced by threonine, an amino acid with similar properties. In one study, this alteration was observed in 1/3236 cases with invasive epithelial ovarian cancer and 0/3431 controls (Ramus SJ et al. J. Natl. Cancer Inst., 2015 Nov;107:). This amino acid position is not well conserved in available vertebrate species. In addition, this alteration is predicted to be tolerated by in silico analysis. Based on the available evidence, the clinical significance of this variant remains unclear.

Labcorp Genetics (formerly Invitae), Labcorp
Classification: Uncertain significance for Familial cancer of breast. Last evaluated: 2022-08-09. Review status: criteria provided, single submitter. Criteria: Invitae Variant Classification Sherloc (09022015). Collection method: clinical testing. Allele origin: germline.
Comment: In summary, the available evidence is currently insufficient to determine the role of this variant in disease. Therefore, it has been classified as a Variant of Uncertain Significance. Algorithms developed to predict the effect of missense changes on protein structure and function (SIFT, PolyPhen-2, Align-GVGD) all suggest that this variant is likely to be disruptive. ClinVar contains an entry for this variant (Variation ID: 410154). This missense change has been observed in individual(s) with ovarian cancer (PMID: 26315354). This variant is not present in population databases (gnomAD no frequency). This sequence change replaces isoleucine, which is neutral and non-polar, with threonine, which is neutral and polar, at codon 1051 of the PALB2 protein (p.Ile1051Thr).

Literature cited by the submitters: PubMed 26315354 (cited by Ambry Genetics and Labcorp Genetics (formerly Invitae), Labcorp).

NM_024675.4(PALB2):c.3152T>C (p.Ile1051Thr)

Gene: PALB2 (partner and localizer of BRCA2; minus strand). Cytogenetic location: 16p12.2.
Variant type: single nucleotide variant.
Coding change: c.3152T>C on transcript NM_024675.4 (MANE Select); coding-DNA position 3152, T replaced by C.
Protein change: p.Ile1051Thr; replaces isoleucine 1051 with threonine.
Molecular consequence: missense variant.
Genome position (GRCh38, 1-based): chr16:23,614,053, A>G on the plus strand (T>C on the coding strand, the complement: PALB2 is on the minus strand). VCF-style: chr16-23614053-A-G. GRCh37 (hg19) VCF-style: chr16-23625374-A-G.
Other names: short protein forms I1051T.
Identifiers: ClinVar variation 410154 (VCV000410154.15), dbSNP rs760373091, ClinGen allele CA16614811.